The following is an entry in ClinVar:

NM_018417.6(ADCY10):c.1415G>A (p.Gly472Asp)

Genes: ADCY10 (adenylate cyclase 10; minus strand), DCAF6 (DDB1 and CUL4 associated factor 6; plus strand). Cytogenetic location: 1q24.2.
Variant type: single nucleotide variant.
Coding change: c.1415G>A on transcript NM_018417.6 (MANE Select); coding-DNA position 1415, G replaced by A.
Protein change: p.Gly472Asp; replaces glycine 472 with aspartic acid.
Molecular consequence: missense variant.
Genome position (GRCh38, 1-based): chr1:167,875,178, C>T on the plus strand (G>A on the coding strand, the complement: ADCY10 is on the minus strand). VCF-style: chr1-167875178-C-T. GRCh37 (hg19) VCF-style: chr1-167844416-C-T.
Other names: c.956G>A, p.Gly319Asp (NM_001167749.3); c.1139G>A, p.Gly380Asp (NM_001297772.2); short protein forms G380D, G472D, G319D.
Identifiers: ClinVar variation 1517696 (VCV001517696.8), dbSNP rs756991569, ClinGen allele CA343095954.
Genomic context (GRCh38, chr1:167,875,178, plus strand): 5'-GCCTACTACCTACCCAGCAAAGGGTAATCCTCCTTTCTGTTGCAGATGAGGCACGCCATA[C>T]CAAACATGCTGAAGAGAAGAACAAAAGAACAGATGCTAGATTCAAAACAGGGACATATTG-3'
Protein context (NP_060887.2, residues 462-482): YWGRTEKVMF[Gly472Asp]MACLICNRKE

ClinVar aggregate classification (germline): Uncertain significance (1 of 4 stars; one submission).

Submission:

Labcorp Genetics (formerly Invitae), Labcorp
Classification: Uncertain significance. Last evaluated: 2021-01-20. Review status: criteria provided, single submitter. Criteria: Invitae Variant Classification Sherloc (09022015). Collection method: clinical testing. Allele origin: germline.
Comment: This sequence change replaces glycine with aspartic acid at codon 472 of the ADCY10 protein (p.Gly472Asp). The glycine residue is highly conserved and there is a moderate physicochemical difference between glycine and aspartic acid. This variant is not present in population databases (ExAC no frequency). This variant has not been reported in the literature in individuals with ADCY10-related conditions. Algorithms developed to predict the effect of missense changes on protein structure and function are either unavailable or do not agree on the potential impact of this missense change (SIFT: "Tolerated"; PolyPhen-2: "Possibly Damaging"; Align-GVGD: "Class C0"). In summary, the available evidence is currently insufficient to determine the role of this variant in disease. Therefore, it has been classified as a Variant of Uncertain Significance.